The following is an entry in ClinVar:

ClinVar aggregate classification (germline): Benign. Review status: criteria provided, multiple submitters, no conflicts (2 of 4 stars). 3 submissions from 3 submitters: Benign (3). Last evaluated 2026-02-02.

Conditions:
Neuropathy, hereditary motor and sensory, type 6B (HMSN6B). Also called: HMSN VIB; CHARCOT-MARIE-TOOTH DISEASE, TYPE 6B; Neuropathy, hereditary motor and sensory, type VIB; NEUROPATHY, HEREDITARY MOTOR AND SENSORY, TYPE VIB, WITH OPTIC ATROPHY. Identifiers: MedGen C4225302, MONDO:0014671, OMIM 616505.

Allele frequency attached by ClinVar (database versions not stated): gnomAD 0.03055 and 0.03257; ESP Exome Variant Server 0.03472; 1000 Genomes Project 0.03514; TOPMed 0.03523; 1000 Genomes Project 30x 0.03732; gnomAD exomes 0.00749 and 0.00973; ExAC 0.01332.
gnomAD v4.1: 15,672 of 1,592,252 alleles (0.98%); highest among the groups gnomAD compares: African/African-American, 9.5%; 402 homozygotes.

Submissions (3):

Labcorp Genetics (formerly Invitae), Labcorp
Classification: Benign for Neuropathy, hereditary motor and sensory, type 6B. Last evaluated: 2026-02-02. Review status: criteria provided, single submitter. Criteria: Invitae Variant Classification Sherloc (09022015). Collection method: clinical testing. Allele origin: germline.

Mayo Clinic Laboratories, Mayo Clinic
Classification: Benign. Last evaluated: 2022-11-06. Review status: criteria provided, single submitter. Criteria: ACMG Guidelines, 2015. Collection method: clinical testing. Allele origin: germline. Observed: 62 variant alleles.

GeneDx
Classification: Benign. Last evaluated: 2018-06-14. Review status: criteria provided, single submitter. Criteria: GeneDx Variant Classification (06012015). Collection method: clinical testing. Allele origin: germline. Affected: yes.
Comment: This variant is considered likely benign or benign based on one or more of the following criteria: it is a conservative change, it occurs at a poorly conserved position in the protein, it is predicted to be benign by multiple in silico algorithms, and/or has population frequency not consistent with disease.

NM_138773.4(SLC25A46):c.429C>T (p.Val143=)

Gene: SLC25A46 (solute carrier family 25 member 46; plus strand). Cytogenetic location: 5q22.1.
Variant type: single nucleotide variant.
Coding change: c.429C>T on transcript NM_138773.4 (MANE Select); coding-DNA position 429, C replaced by T.
Protein change: p.Val143=; no amino-acid change (valine 143 retained).
Molecular consequence: synonymous variant. On other transcripts: non-coding transcript variant (1).
Genome position (GRCh38, 1-based): chr5:110,746,313, C>T. VCF-style: chr5-110746313-C-T. GRCh37 (hg19) VCF-style: chr5-110082014-C-T.
Other names: p.Val143=; c.429C>T, p.Val143= (NM_001303249.3); c.156C>T, p.Val52= (NM_001303250.3).
Identifiers: ClinVar variation 475796 (VCV000475796.16), dbSNP rs35220834, ClinGen allele CA3364592.